The following is an entry in ClinVar:

ClinVar aggregate classification (germline): Pathogenic (1 of 4 stars; one submission).

Submission:

Labcorp Genetics (formerly Invitae), Labcorp
Classification: Pathogenic. Last evaluated: 2024-08-09. Review status: criteria provided, single submitter. Criteria: Invitae Variant Classification Sherloc (09022015). Collection method: clinical testing. Allele origin: germline.
Comment: This sequence change creates a premature translational stop signal (p.Gln587*) in the LPIN1 gene. It is expected to result in an absent or disrupted protein product. Loss-of-function variants in LPIN1 are known to be pathogenic (PMID: 18817903, 20583302, 22481384, 26111941). This variant is not present in population databases (gnomAD no frequency). This variant has not been reported in the literature in individuals affected with LPIN1-related conditions. For these reasons, this variant has been classified as Pathogenic.

Literature cited by the submitters: PubMed 18817903; PubMed 20583302; PubMed 22481384; PubMed 26111941.

NM_001349206.2(LPIN1):c.1867C>T (p.Gln623Ter)

Gene: LPIN1 (lipin 1; plus strand). Cytogenetic location: 2p25.1.
Variant type: single nucleotide variant.
Coding change: c.1867C>T on transcript NM_001349206.2 (MANE Select); coding-DNA position 1867, C replaced by T.
Protein change: p.Gln623Ter; replaces glutamine 623 with a stop codon.
Molecular consequence: nonsense. On other transcripts: non-coding transcript variant (1).
Genome position (GRCh38, 1-based): chr2:11,795,468, C>T. VCF-style: chr2-11795468-C-T. GRCh37 (hg19) VCF-style: chr2-11935594-C-T.
Other names: c.1837C>T, p.Gln613Ter (NM_001349200.2, NM_001349201.2); c.1864C>T, p.Gln622Ter (NM_001349202.2, NM_001349203.2); c.1867C>T, p.Gln623Ter (NM_001349204.2, NM_001349205.2); c.1957C>T, p.Gln653Ter (NM_001349207.2); c.1906C>T, p.Gln636Ter (NM_001349208.2); c.1759C>T, p.Gln587Ter (NM_145693.4, NM_001349199.2); c.1777C>T, p.Gln593Ter (NM_001261427.3); c.2014C>T, p.Gln672Ter (NM_001261428.3); short protein forms Q593*, Q613*, Q622*, Q623*, Q636*, Q587*, Q672*, Q653*.
Identifiers: ClinVar variation 3658701 (VCV003658701.2).